The following is an entry in ClinVar:

NM_016222.4(DDX41):c.38C>T (p.Thr13Ile)

Gene: DDX41 (DEAD-box helicase 41; minus strand). Cytogenetic location: 5q35.3.
Variant type: single nucleotide variant.
Coding change: c.38C>T on transcript NM_016222.4 (MANE Select); coding-DNA position 38, C replaced by T.
Protein change: p.Thr13Ile; replaces threonine 13 with isoleucine.
Molecular consequence: missense variant. On other transcripts: 5 prime UTR variant (2).
Genome position (GRCh38, 1-based): chr5:177,516,825, G>A on the plus strand (C>T on the coding strand, the complement: DDX41 is on the minus strand). VCF-style: chr5-177516825-G-A. GRCh37 (hg19) VCF-style: chr5-176943826-G-A.
Other names: c.-618C>T (NM_001321732.2); c.-410C>T (NM_001321830.2); short protein forms T13I.
Identifiers: ClinVar variation 1313750 (VCV001313750.21), dbSNP rs61736559, ClinGen allele CA3585397.

ClinVar aggregate classification (germline): Conflicting classifications of pathogenicity. Review status: criteria provided, conflicting classifications (1 of 4 stars). 6 submissions from 6 submitters: Uncertain significance (3); Likely benign (3). Last evaluated 2025-10-15.

Conditions:
DDX41-related hematologic malignancy predisposition syndrome. Also called: Myeloproliferative/lymphoproliferative neoplasms, familial (multiple types), susceptibility to; DDX41-Associated Familial Myelodysplastic Syndrome and Acute Myeloid Leukemia. Identifiers: Orphanet 488647, MedGen C4225174, MONDO:0014809, OMIM 616871.
Inborn genetic diseases. Identifiers: MedGen C0950123, MeSH D030342.

Allele frequency attached by ClinVar (database versions not stated): TOPMed 0.00005; gnomAD 0.00009 and 0.00010; gnomAD exomes 0.00012; ExAC 0.00013.
gnomAD v4.1: 106 of 1,612,572 alleles (0.0066%); highest among the groups gnomAD compares: Admixed American, 0.005%; no homozygotes.

Submissions (6):

Labcorp Genetics (formerly Invitae), Labcorp
Classification: Likely benign. Last evaluated: 2025-10-15. Review status: criteria provided, single submitter. Criteria: Invitae Variant Classification Sherloc (09022015). Collection method: clinical testing. Allele origin: germline.

CeGaT Center for Human Genetics Tuebingen
Classification: Likely benign. Last evaluated: 2025-10-01. Review status: criteria provided, single submitter. Criteria: CeGaT Center For Human Genetics Tuebingen Variant Classification Criteria Version 2. Collection method: clinical testing. Allele origin: germline. Affected: yes. Observed: 1 variant allele.
Comment: DDX41: BP4

Ambry Genetics
Classification: Likely benign for Inborn genetic diseases. Last evaluated: 2024-12-17. Review status: criteria provided, single submitter. Criteria: Ambry Variant Classification Scheme 2023. Collection method: clinical testing. Allele origin: germline.

Baylor Genetics
Classification: Uncertain significance for DDX41-related hematologic malignancy predisposition syndrome. Last evaluated: 2023-11-18. Review status: criteria provided, single submitter. Criteria: ACMG Guidelines, 2015. Collection method: clinical testing. Allele origin: unknown.

GeneDx
Classification: Uncertain significance. Last evaluated: 2023-11-17. Review status: criteria provided, single submitter. Criteria: GeneDx Variant Classification Process June 2021. Collection method: clinical testing. Allele origin: germline. Affected: yes.
Comment: In silico analysis supports that this missense variant does not alter protein structure/function; Observed as a probable germline variant in individuals with myeloid neoplasms (PMID: 30963592); This variant is associated with the following publications: (PMID: 36672294, 30963592)

Genetic Services Laboratory, University of Chicago
Classification: Uncertain significance. Last evaluated: 2021-09-29. Review status: criteria provided, single submitter. Criteria: ACMG Guidelines, 2015. Collection method: clinical testing. Allele origin: germline. Affected: no.
Comment: DNA sequence analysis of the DDX41 gene demonstrated a sequence change, c.38C>T, in exon 2 that results in an amino acid change, p.Thr13Ile. This sequence change does not appear to have been previously described in individuals with DDX41-related disorders and has been described in the gnomAD database with a frequency of 0.23% in the Ashkenazi Jewish subpopulation (dbSNP rs61736559). The p.Thr13Ile change affects a poorly conserved amino acid residue located in a domain of the DDX41 protein that is not known to be functional. The p.Thr13Ile substitution appears to be benign using several in-silico pathogenicity prediction tools (SIFT, PolyPhen2, Align GVGD, REVEL). Due to insufficient evidence and the lack of functional studies, the clinical significance of the p.Thr13Ile change remains unknown at this time.